The following is an entry in ClinVar:

ClinVar aggregate classification (germline): Conflicting classifications of pathogenicity. Review status: criteria provided, conflicting classifications (1 of 4 stars). 3 submissions from 3 submitters: Uncertain significance (2); Likely benign (1). Last evaluated 2025-10-10.

Conditions:
Seizures, benign familial infantile, 3 (BFIS3). Also called: Familial neonatal seizures; CONVULSIONS, BENIGN FAMILIAL INFANTILE, 3. Identifiers: Orphanet 140927, Orphanet 306, MedGen C1843140, MONDO:0011904, OMIM 607745.
Developmental and epileptic encephalopathy, 11 (DEE11). Also called: Early infantile epileptic encephalopathy 11. Identifiers: Orphanet 1934, MedGen C3150987, MONDO:0013388, OMIM 613721.
Inborn genetic diseases. Identifiers: MedGen C0950123, MeSH D030342.

Allele frequency attached by ClinVar (database versions not stated): gnomAD 0.00003 and 0.00004; TOPMed 0.00003; ExAC 0.00005; gnomAD exomes 0.00005.
gnomAD v4.1: 21 of 1,613,754 alleles (0.0013%); highest among the groups gnomAD compares: Admixed American, 0.015%; no homozygotes.

Submissions (3):

Labcorp Genetics (formerly Invitae), Labcorp
Classification: Uncertain significance for Seizures, benign familial infantile, 3; Developmental and epileptic encephalopathy, 11. Last evaluated: 2025-10-10. Review status: criteria provided, single submitter. Criteria: Invitae Variant Classification Sherloc (09022015). Collection method: clinical testing. Allele origin: germline.
Comment: This sequence change replaces arginine, which is basic and polar, with histidine, which is basic and polar, at codon 1902 of the SCN2A protein (p.Arg1902His). This variant is present in population databases (rs747710683, gnomAD 0.02%). This variant has not been reported in the literature in individuals affected with SCN2A-related conditions. ClinVar contains an entry for this variant (Variation ID: 431900). Invitae Evidence Modeling of protein sequence and biophysical properties (such as structural, functional, and spatial information, amino acid conservation, physicochemical variation, residue mobility, and thermodynamic stability) indicates that this missense variant is expected to disrupt SCN2A protein function with a positive predictive value of 95%. In summary, the available evidence is currently insufficient to determine the role of this variant in disease. Therefore, it has been classified as a Variant of Uncertain Significance.

Ambry Genetics
Classification: Likely benign for Inborn genetic diseases. Last evaluated: 2023-05-09. Review status: criteria provided, single submitter. Criteria: Ambry Variant Classification Scheme 2023. Collection method: clinical testing. Allele origin: germline.

GeneDx
Classification: Uncertain significance. Last evaluated: 2017-10-09. Review status: criteria provided, single submitter. Criteria: GeneDx Variant Classification (06012015). Collection method: clinical testing. Allele origin: germline. Affected: yes.
Comment: The R1902H variant has not been published as a pathogenic variant, nor has it been reported as a benign variant to our knowledge. A different missense variant at the same position (R1902C) has been reported previously in an individual with autism; however, it was not detected in this individual's affected sibling (Weiss et al., 2003). The R1902H variant is observed in 5/24026 (0.02%) alleles from individuals of African background in large population cohorts (Lek et al., 2016). This substitution occurs at a conserved position predicted to be within the C-terminal cytoplasmic region of the SCN2A protein. In silico analysis predicts this variant is probably damaging to the protein structure/function. However, the R1902H variant is a conservative amino acid substitution, which is not likely to impact secondary protein structure as these residues share similar properties. Therefore, based on the currently available information, it is unclear whether this variant is apathogenic variant or a rare benign variant.

NM_001040142.2(SCN2A):c.5705G>A (p.Arg1902His)

Gene: SCN2A (sodium voltage-gated channel alpha subunit 2; plus strand). Cytogenetic location: 2q24.3.
Variant type: single nucleotide variant.
Coding change: c.5705G>A on transcript NM_001040142.2 (MANE Select); coding-DNA position 5705, G replaced by A.
Protein change: p.Arg1902His; replaces arginine 1902 with histidine.
Molecular consequence: missense variant.
Genome position (GRCh38, 1-based): chr2:165,389,511, G>A. VCF-style: chr2-165389511-G-A. GRCh37 (hg19) VCF-style: chr2-166246021-G-A.
Other names: c.5705G>A, p.Arg1902His (NM_001040143.2, NM_001371246.1, NM_001371247.1 and 1 more transcripts); short protein forms R1902H.
Identifiers: ClinVar variation 431900 (VCV000431900.11), dbSNP rs747710683, ClinGen allele CA1940416.